The following is an entry in ClinVar:

NM_012062.5(DNM1L):c.618T>C (p.Asp206=)

Gene: DNM1L (dynamin 1L; plus strand). Cytogenetic location: 12p11.21.
Variant type: single nucleotide variant.
Coding change: c.618T>C on transcript NM_012062.5 (MANE Select); coding-DNA position 618, T replaced by C.
Protein change: p.Asp206=; no amino-acid change (aspartic acid 206 retained).
Molecular consequence: synonymous variant. On other transcripts: intron variant (1).
Genome position (GRCh38, 1-based): chr12:32,713,370, T>C. VCF-style: chr12-32713370-T-C. GRCh37 (hg19) VCF-style: chr12-32866304-T-C.
Other names: c.618T>C, p.Asp206= (NM_001278463.2, NM_005690.5, NM_012063.4); c.657T>C, p.Asp219= (NM_001278464.2, NM_001278465.2, NM_001330380.2); c.131+5957T>C (NM_001278466.2).
Identifiers: ClinVar variation 2058127 (VCV002058127.10), dbSNP rs769177492, ClinGen allele CA6507375.

ClinVar aggregate classification (germline): Conflicting classifications of pathogenicity. Review status: criteria provided, conflicting classifications (1 of 4 stars). 2 submissions from 2 submitters: Uncertain significance (1); Likely benign (1). Last evaluated 2025-10-01.

Allele frequency attached by ClinVar (database versions not stated): gnomAD 0.00002; TOPMed 0.00003; gnomAD exomes 0.00004; ExAC 0.00006.
gnomAD v4.1: 59 of 1,613,730 alleles (0.0037%); highest among the groups gnomAD compares: South Asian, 0.036%; no homozygotes.

Submissions (2):

CeGaT Center for Human Genetics Tuebingen
Classification: Likely benign. Last evaluated: 2025-10-01. Review status: criteria provided, single submitter. Criteria: CeGaT Center For Human Genetics Tuebingen Variant Classification Criteria Version 2. Collection method: clinical testing. Allele origin: germline. Affected: yes. Observed: 1 variant allele.
Comment: DNM1L: BP4, BP7

Labcorp Genetics (formerly Invitae), Labcorp
Classification: Uncertain significance. Last evaluated: 2024-01-03. Review status: criteria provided, single submitter. Criteria: Invitae Variant Classification Sherloc (09022015). Collection method: clinical testing. Allele origin: germline.
Comment: This sequence change affects codon 206 of the DNM1L mRNA. It is a 'silent' change, meaning that it does not change the encoded amino acid sequence of the DNM1L protein. It affects a nucleotide within the consensus splice site. This variant is present in population databases (rs769177492, gnomAD 0.04%). This variant has not been reported in the literature in individuals affected with DNM1L-related conditions. ClinVar contains an entry for this variant (Variation ID: 2058127). Algorithms developed to predict the effect of sequence changes on RNA splicing suggest that this variant is not likely to affect RNA splicing. In summary, the available evidence is currently insufficient to determine the role of this variant in disease. Therefore, it has been classified as a Variant of Uncertain Significance.